The following is an entry in ClinVar:

ClinVar aggregate classification (germline): Uncertain significance (1 of 4 stars; one submission).

Allele frequency attached by ClinVar (database versions not stated): TOPMed below 0.00001; gnomAD 0.00001; gnomAD exomes 0.00003.

Submission:

Labcorp Genetics (formerly Invitae), Labcorp
Classification: Uncertain significance. Last evaluated: 2022-06-20. Review status: criteria provided, single submitter. Criteria: Invitae Variant Classification Sherloc (09022015). Collection method: clinical testing. Allele origin: germline.
Comment: In summary, the available evidence is currently insufficient to determine the role of this variant in disease. Therefore, it has been classified as a Variant of Uncertain Significance. Algorithms developed to predict the effect of missense changes on protein structure and function output the following: SIFT: "Tolerated"; PolyPhen-2: "Benign"; Align-GVGD: "Class C0". The glutamic acid amino acid residue is found in multiple mammalian species, which suggests that this missense change does not adversely affect protein function. This variant has not been reported in the literature in individuals affected with TONSL-related conditions. This variant is present in population databases (no rsID available, gnomAD 0.008%). This sequence change replaces aspartic acid, which is acidic and polar, with glutamic acid, which is acidic and polar, at codon 1350 of the TONSL protein (p.Asp1350Glu).

NM_013432.5(TONSL):c.4050C>A (p.Asp1350Glu)

Gene: TONSL (tonsoku like, DNA repair protein; minus strand). Cytogenetic location: 8q24.3.
Variant type: single nucleotide variant.
Coding change: c.4050C>A on transcript NM_013432.5 (MANE Select); coding-DNA position 4050, C replaced by A.
Protein change: p.Asp1350Glu; replaces aspartic acid 1350 with glutamic acid.
Molecular consequence: missense variant.
Genome position (GRCh38, 1-based): chr8:144,429,230, G>T on the plus strand (C>A on the coding strand, the complement: TONSL is on the minus strand). VCF-style: chr8-144429230-G-T. GRCh37 (hg19) VCF-style: chr8-145654613-G-T.
Other names: short protein forms D1350E.
Identifiers: ClinVar variation 1401291 (VCV001401291.7), dbSNP rs1554878022, ClinGen allele CA372637213.